The following is an entry in ClinVar:

ClinVar aggregate classification (germline): Uncertain significance (1 of 4 stars; one submission).

Submission:

Labcorp Genetics (formerly Invitae), Labcorp
Classification: Uncertain significance. Last evaluated: 2024-01-20. Review status: criteria provided, single submitter. Criteria: Invitae Variant Classification Sherloc (09022015). Collection method: clinical testing. Allele origin: unknown.
Comment: A copy number gain of the genomic region encompassing the full coding sequence of the CHD8 gene has been identified. The boundaries of this event are unknown as they extend beyond the assayed region for this gene and therefore may encompass additional genes. As the precise location of this event is unknown, it may be in tandem or it may be located elsewhere in the genome. Isolated whole-gene copy number gains of CHD8 have not been reported in the literature. However, larger copy number events that include this gene have been reported (PMID: 26834018, 31602316). In summary, the available evidence is currently insufficient to determine the role of this variant in disease. Therefore, it has been classified as a Variant of Uncertain Significance.

Literature cited by the submitters: PubMed 26834018; PubMed 31602316.

NC_000014.8:g.(?_20915399)_(22005055_?)dup

Genes: ANG (angiogenin; plus strand), APEX1 (apurinic/apyrimidinic endodeoxyribonuclease 1; plus strand), ARHGEF40 (Rho guanine nucleotide exchange factor 40; plus strand), CHD8 (chromodomain helicase DNA binding protein 8; minus strand), EDDM3A (epididymal protein 3A; plus strand) and 35 more. Cytogenetic location: 14q11.2.
Variant type: Duplication.
Identifiers: ClinVar variation 3244070 (VCV003244070.1).